The following is an entry in ClinVar:

NM_001372574.1(ATXN2):c.2526A>G (p.Val842=)

Gene: ATXN2 (ataxin 2; minus strand). Cytogenetic location: 12q24.12.
Variant type: single nucleotide variant.
Coding change: c.2526A>G on transcript NM_001372574.1 (MANE Select); coding-DNA position 2526, A replaced by G.
Protein change: p.Val842=; no amino-acid change (valine 842 retained).
Molecular consequence: synonymous variant. On other transcripts: non-coding transcript variant (1).
Genome position (GRCh38, 1-based): chr12:111,470,741, T>C on the plus strand (A>G on the coding strand, the complement: ATXN2 is on the minus strand). VCF-style: chr12-111470741-T-C. GRCh37 (hg19) VCF-style: chr12-111908545-T-C.
Other names: c.2205A>G, p.Val735= (NM_001310121.1); c.2133A>G, p.Val711= (NM_001310123.1); c.2520A>G, p.Val840= (NM_002973.4).
Identifiers: ClinVar variation 210509 (VCV000210509.33), dbSNP rs140262591, ClinGen allele CA209388.

ClinVar aggregate classification (germline): Conflicting classifications of pathogenicity. Review status: criteria provided, conflicting classifications (1 of 4 stars). 5 submissions from 5 submitters: Uncertain significance (2); Likely benign (2). 1 of the submissions does not count toward it. Last evaluated 2026-10-01.

Conditions:
ATXN2-related disorder. Also called: ATXN2-related condition.

Allele frequency attached by ClinVar (database versions not stated): 1000 Genomes Project 0.00200; 1000 Genomes Project 30x 0.00203; gnomAD exomes 0.00280 and 0.00450; ExAC 0.00300; gnomAD 0.00300 and 0.00332; ESP Exome Variant Server 0.00315; TOPMed 0.00335.
gnomAD v4.1: 6,998 of 1,614,008 alleles (0.43%); highest among the groups gnomAD compares: Non-Finnish European, 0.54%; 21 homozygotes.

Submissions (5):

CeGaT Center for Human Genetics Tuebingen
Classification: Likely benign. Last evaluated: 2026-10-01. Review status: criteria provided, single submitter. Criteria: CeGaT Center For Human Genetics Tuebingen Variant Classification Criteria Version 2. Collection method: clinical testing. Allele origin: germline. Affected: yes. Observed: 7 variant alleles.
Comment: ATXN2: BP4, BS2

Blueprint Genetics
Classification: Likely benign. Last evaluated: 2024-11-22. Review status: criteria provided, single submitter. Criteria: ACMG Guidelines, 2015. Collection method: clinical testing. Allele origin: germline.

Genetic Services Laboratory, University of Chicago
Classification: Uncertain significance. Last evaluated: 2014-06-27. Review status: criteria provided, single submitter. Criteria: ACMG Guidelines, 2015. Collection method: clinical testing. Allele origin: germline.

Breakthrough Genomics
Classification: Uncertain significance. Review status: criteria provided, single submitter. Criteria: ACMG Guidelines, 2015. Collection method: not provided. Allele origin: germline. Inheritance: Autosomal recessive inheritance. Affected: yes.

PreventionGenetics, part of Exact Sciences
Classification: Benign for ATXN2-related condition. Last evaluated: 2019-05-10. Review status: no assertion criteria provided. Collection method: clinical testing. Allele origin: germline. Not counted in ClinVar's aggregate classification.
Comment: This variant is classified as benign based on ACMG/AMP sequence variant interpretation guidelines (Richards et al. 2015 PMID: 25741868, with internal and published modifications).